The following is an entry in ClinVar:

NM_152703.5(SAMD9L):c.2140A>T (p.Ser714Cys)

Gene: SAMD9L (sterile alpha motif domain containing 9 like; minus strand). Cytogenetic location: 7q21.2.
Variant type: single nucleotide variant.
Coding change: c.2140A>T on transcript NM_152703.5 (MANE Select); coding-DNA position 2140, A replaced by T.
Protein change: p.Ser714Cys; replaces serine 714 with cysteine.
Molecular consequence: missense variant.
Genome position (GRCh38, 1-based): chr7:93,133,832, T>A on the plus strand (A>T on the coding strand, the complement: SAMD9L is on the minus strand). VCF-style: chr7-93133832-T-A. GRCh37 (hg19) VCF-style: chr7-92763145-T-A.
Other names: c.2140A>T, p.Ser714Cys (NM_001303496.3, NM_001303497.3, NM_001303498.3 and 5 more transcripts); short protein forms S714C.
Identifiers: ClinVar variation 3949832 (VCV003949832.2).

ClinVar aggregate classification (germline): Uncertain significance. Review status: criteria provided, multiple submitters, no conflicts (2 of 4 stars). 2 submissions from 2 submitters: Uncertain significance (2). Last evaluated 2025-10-09.

Conditions:
Inborn genetic diseases. Identifiers: MedGen C0950123, MeSH D030342.

gnomAD v4.1: 4 of 1,613,356 alleles (0.00025%); highest among the groups gnomAD compares: East Asian, 0.0089%; no homozygotes.

Submissions (2):

Labcorp Genetics (formerly Invitae), Labcorp
Classification: Uncertain significance. Last evaluated: 2025-10-09. Review status: criteria provided, single submitter. Criteria: Invitae Variant Classification Sherloc (09022015). Collection method: clinical testing. Allele origin: germline.
Comment: This sequence change replaces serine, which is neutral and polar, with cysteine, which is neutral and slightly polar, at codon 714 of the SAMD9L protein (p.Ser714Cys). This variant is present in population databases (rs781131220, gnomAD 0.02%). This variant has not been reported in the literature in individuals affected with SAMD9L-related conditions. ClinVar contains an entry for this variant (Variation ID: 3949832). Invitae Evidence Modeling of protein sequence and biophysical properties (such as structural, functional, and spatial information, amino acid conservation, physicochemical variation, residue mobility, and thermodynamic stability) indicates that this missense variant is not expected to disrupt SAMD9L protein function with a negative predictive value of 80%. In summary, the available evidence is currently insufficient to determine the role of this variant in disease. Therefore, it has been classified as a Variant of Uncertain Significance.

Ambry Genetics
Classification: Uncertain significance for Inborn genetic diseases. Last evaluated: 2025-04-12. Review status: criteria provided, single submitter. Criteria: Ambry Variant Classification Scheme 2023. Collection method: clinical testing. Allele origin: germline.
Comment: The p.S714C variant (also known as c.2140A>T), located in coding exon 1 of the SAMD9L gene, results from an A to T substitution at nucleotide position 2140. The serine at codon 714 is replaced by cysteine, an amino acid with dissimilar properties. This amino acid position is conserved. In addition, this alteration is predicted to be tolerated by in silico analysis. Based on the available evidence, the clinical significance of this variant remains unclear.